The following is an entry in ClinVar:

NM_024301.5(FKRP):c.950G>A (p.Cys317Tyr)

Gene: FKRP (fukutin related protein; plus strand). Cytogenetic location: 19q13.32.
Variant type: single nucleotide variant.
Coding change: c.950G>A on transcript NM_024301.5 (MANE Select); coding-DNA position 950, G replaced by A.
Protein change: p.Cys317Tyr; replaces cysteine 317 with tyrosine.
Molecular consequence: missense variant.
Genome position (GRCh38, 1-based): chr19:46,756,400, G>A. VCF-style: chr19-46756400-G-A. GRCh37 (hg19) VCF-style: chr19-47259657-G-A.
Other names: c.950G>A (NM_024301.4); c.950G>A, p.Cys317Tyr (NM_001039885.3); short protein forms C317Y.
Identifiers: ClinVar variation 2836790 (VCV002836790.5), dbSNP rs2513994540, ClinGen allele CA406496345.
Genomic context (GRCh38, chr19:46,756,400, plus strand): 5'-TCGGAACCGTGGTGGGCGACACGCCCGCCTACCTCTACGAGGAGCGCTGGACGCCCCCCT[G>A]CTGCCTGCGCGCGCTGCGCGAGACCGCCCGCTATGTGGTGGGCGTGCTGGAGGCTGCGGG-3'
Protein context (NP_077277.1, residues 307-327): YLYEERWTPP[Cys317Tyr]CLRALRETAR

ClinVar aggregate classification (germline): Uncertain significance. Review status: criteria provided, multiple submitters, no conflicts (2 of 4 stars). 2 submissions from 2 submitters: Uncertain significance (2). Last evaluated 2025-04-14.

Conditions:
Cardiovascular phenotype. Identifiers: MedGen CN230736.
Walker-Warburg congenital muscular dystrophy. Also called: Muscular dystrophy-dystroglycanopathy, type A; Walker-Warburg syndrome. Identifiers: Orphanet 899, MedGen C0265221, MONDO:0000171.

Allele frequency attached by ClinVar (database versions not stated): gnomAD exomes below 0.00001.

Submissions (2):

Ambry Genetics
Classification: Uncertain significance for Cardiovascular phenotype. Last evaluated: 2025-04-14. Review status: criteria provided, single submitter. Criteria: Ambry Variant Classification Scheme 2023. Collection method: clinical testing. Allele origin: germline.
Comment: The c.950G>A (p.C317Y) alteration is located in exon 4 (coding exon 1) of the FKRP gene. This alteration results from a G to A substitution at nucleotide position 950, causing the cysteine (C) at amino acid position 317 to be replaced by a tyrosine (Y). This variant was not reported in population-based cohorts in the Genome Aggregation Database (gnomAD). This amino acid position is highly conserved in available vertebrate species. This alteration is predicted to be deleterious by in silico analysis. Based on insufficient or conflicting evidence, the clinical significance of this alteration remains unclear.

Labcorp Genetics (formerly Invitae), Labcorp
Classification: Uncertain significance for Walker-Warburg congenital muscular dystrophy. Last evaluated: 2023-02-13. Review status: criteria provided, single submitter. Criteria: Invitae Variant Classification Sherloc (09022015). Collection method: clinical testing. Allele origin: germline.
Comment: In summary, the available evidence is currently insufficient to determine the role of this variant in disease. Therefore, it has been classified as a Variant of Uncertain Significance. Advanced modeling of protein sequence and biophysical properties (such as structural, functional, and spatial information, amino acid conservation, physicochemical variation, residue mobility, and thermodynamic stability) performed at Invitae indicates that this missense variant is expected to disrupt FKRP protein function. This variant has not been reported in the literature in individuals affected with FKRP-related conditions. This variant is not present in population databases (gnomAD no frequency). This sequence change replaces cysteine, which is neutral and slightly polar, with tyrosine, which is neutral and polar, at codon 317 of the FKRP protein (p.Cys317Tyr).